The following is an entry in ClinVar:

ClinVar aggregate classification (germline): Uncertain significance. Review status: criteria provided, multiple submitters, no conflicts (2 of 4 stars). 2 submissions from 2 submitters: Uncertain significance (2). Last evaluated 2025-05-27.

Conditions:
Inborn genetic diseases. Identifiers: MedGen C0950123, MeSH D030342.

gnomAD v4.1: 49 of 1,614,036 alleles (0.003%); highest among the groups gnomAD compares: Non-Finnish European, 0.0039%; no homozygotes.

Submissions (2):

Labcorp Genetics (formerly Invitae), Labcorp
Classification: Uncertain significance. Last evaluated: 2025-05-27. Review status: criteria provided, single submitter. Criteria: Invitae Variant Classification Sherloc (09022015). Collection method: clinical testing. Allele origin: germline.
Comment: This sequence change replaces arginine, which is basic and polar, with cysteine, which is neutral and slightly polar, at codon 945 of the C3 protein (p.Arg945Cys). This variant is not present in population databases (gnomAD no frequency). This variant has not been reported in the literature in individuals affected with C3-related conditions. ClinVar contains an entry for this variant (Variation ID: 2144961). Invitae Evidence Modeling of protein sequence and biophysical properties (such as structural, functional, and spatial information, amino acid conservation, physicochemical variation, residue mobility, and thermodynamic stability) indicates that this missense variant is not expected to disrupt C3 protein function with a negative predictive value of 80%. In summary, the available evidence is currently insufficient to determine the role of this variant in disease. Therefore, it has been classified as a Variant of Uncertain Significance.

Ambry Genetics
Classification: Uncertain significance for Inborn genetic diseases. Last evaluated: 2023-12-21. Review status: criteria provided, single submitter. Criteria: Ambry Variant Classification Scheme 2023. Collection method: clinical testing. Allele origin: germline.

NM_000064.4(C3):c.2833C>T (p.Arg945Cys)

Gene: C3 (complement C3; minus strand). Cytogenetic location: 19p13.3.
Variant type: single nucleotide variant.
Coding change: c.2833C>T on transcript NM_000064.4 (MANE Select); coding-DNA position 2833, C replaced by T.
Protein change: p.Arg945Cys; replaces arginine 945 with cysteine.
Molecular consequence: missense variant.
Genome position (GRCh38, 1-based): chr19:6,696,623, G>A on the plus strand (C>T on the coding strand, the complement: C3 is on the minus strand). VCF-style: chr19-6696623-G-A. GRCh37 (hg19) VCF-style: chr19-6696634-G-A.
Other names: short protein forms R945C.
Identifiers: ClinVar variation 2144961 (VCV002144961.5), dbSNP rs1967539784, ClinGen allele CA403632056.